The following is an entry in ClinVar:

ClinVar aggregate classification (germline): Uncertain significance (1 of 4 stars; one submission).

Conditions:
Menkes kinky-hair syndrome (MNK). Also called: Classic Menkes Disease; Copper transport disease; Menkes Disease. Identifiers: Orphanet 565, MedGen C0022716, MONDO:0010651, OMIM 309400.

Submission:

Neuberg Centre For Genomic Medicine, NCGM
Classification: Uncertain significance for Menkes kinky-hair syndrome. Last evaluated: 2023-06-22. Review status: criteria provided, single submitter. Criteria: ACMG Guidelines, 2015. Collection method: clinical testing. Allele origin: germline. Inheritance: X-linked recessive inheritance. Affected: yes.
Comment: The observed deletion insertion variant c.1471_1473delTACinsATGTAA (p.Tyr491_Leu500delinsMet) in the ATP7A gene has not been reported previously as a pathogenic variant nor as a benign variant, to our knowledge. This variant is absent in the gnomAD Exomes. The amino acid Tyrosine at position 491 upto Leucine at position 500 is deleted and Methionine is inserted changing protein sequence and it might alter its composition and physico-chemical properties. For these reasons, this variant has been classified as Uncertain Significance.

NM_000052.7(ATP7A):c.1471_1473delinsATGTAA (p.Tyr491delinsMetTer)

Gene: ATP7A (ATPase copper transporting alpha; plus strand). Cytogenetic location: Xq21.1.
Variant type: Indel.
Coding change: c.1471_1473delinsATGTAA on transcript NM_000052.7 (MANE Select); coding-DNA positions 1471 to 1473, TAC replaced by ATGTAA.
Protein change: p.Tyr491delinsMetTer.
Molecular consequence: nonsense.
Genome position (GRCh38, 1-based): chrX:77,998,612-77,998,614, TAC replaced by ATGTAA. VCF-style: chrX-77998612-TAC-ATGTAA. GRCh37 (hg19) VCF-style: chrX-77254109-TAC-ATGTAA.
Other names: c.1471_1473delTACinsATGTAA (NM_000052.7); c.1471_1473delinsATGTAA, p.Tyr491delinsMetTer (NM_001282224.2).
Identifiers: ClinVar variation 3377683 (VCV003377683.1).
Genomic context (GRCh38, chrX:77,998,612, plus strand): 5'-TATACTAAAGGGATGACACCAGTTCAAGACAAGGAGGAAGGAAAGAATTCATCTAAGTGT[TAC>ATGTAA]ATACAGGTCACTGGCATGACTTGCGCTTCCTGTGTAGCAAACATTGAACGGAATTTAAGG-3'